The following is an entry in ClinVar:

NM_024675.4(PALB2):c.3017T>C (p.Leu1006Ser)

Gene: PALB2 (partner and localizer of BRCA2; minus strand). Cytogenetic location: 16p12.2.
Variant type: single nucleotide variant.
Coding change: c.3017T>C on transcript NM_024675.4 (MANE Select); coding-DNA position 3017, T replaced by C.
Protein change: p.Leu1006Ser; replaces leucine 1006 with serine.
Molecular consequence: missense variant. On other transcripts: intron variant (1).
Genome position (GRCh38, 1-based): chr16:23,621,458, A>G on the plus strand (T>C on the coding strand, the complement: PALB2 is on the minus strand). VCF-style: chr16-23621458-A-G. GRCh37 (hg19) VCF-style: chr16-23632779-A-G.
Other names: c.2132T>C, p.Leu711Ser (NM_001407311.1, NM_001407304.1, NM_001407305.1 and 4 more transcripts); c.1229T>C, p.Leu410Ser (NM_001407312.1, NM_001407313.1); c.551T>C, p.Leu184Ser (NM_001407314.1); c.2834+2551T>C (NM_001407300.1); c.2957T>C, p.Leu986Ser (NM_001407296.1); c.2945T>C, p.Leu982Ser (NM_001407297.1); c.2855T>C, p.Leu952Ser (NM_001407298.1, NM_001407302.1); c.3017T>C, p.Leu1006Ser (NM_001407299.1, NM_001407301.1); and 1 more; short protein forms L1006S, L711S, L982S, L184S, L952S, L986S, L410S, L657S.
Identifiers: ClinVar variation 3927423 (VCV003927423.1).

ClinVar aggregate classification (germline): Uncertain significance (1 of 4 stars; one submission).

Conditions:
Hereditary cancer-predisposing syndrome. Also called: Hereditary Cancer Syndrome; Hereditary neoplastic syndrome; Neoplastic Syndromes, Hereditary; Tumor predisposition. Identifiers: Orphanet 140162, MedGen C0027672, MeSH D009386, MONDO:0015356.

gnomAD v4.1: 1 of 1,613,516 alleles (0.000062%); highest among the groups gnomAD compares: South Asian, 0.0011%; no homozygotes.

Submission:

Ambry Genetics
Classification: Uncertain significance for Hereditary cancer-predisposing syndrome. Last evaluated: 2025-05-31. Review status: criteria provided, single submitter. Criteria: Ambry Variant Classification Scheme 2023. Collection method: clinical testing. Allele origin: germline.
Comment: The p.L1006S variant (also known as c.3017T>C), located in coding exon 10 of the PALB2 gene, results from a T to C substitution at nucleotide position 3017. The leucine at codon 1006 is replaced by serine, an amino acid with dissimilar properties. This amino acid position is conserved. In addition, the in silico prediction for this alteration is inconclusive. Based on the available evidence, the clinical significance of this variant remains unclear.